The following is an entry in ClinVar:

NM_004999.4(MYO6):c.3718_3719del (p.Arg1240fs)

Gene: MYO6 (myosin VI; plus strand). Cytogenetic location: 6q14.1.
Variant type: Deletion.
Coding change: c.3718_3719del on transcript NM_004999.4 (MANE Select); coding-DNA positions 3718 to 3719, 2 bases deleted (CG; older notation c.3718_3719delCG).
Protein change: p.Arg1240fs; shifts the reading frame from arginine 1240.
Molecular consequence: frameshift variant. On other transcripts: non-coding transcript variant (1).
Genome position (GRCh38, 1-based): chr6:75,914,872-75,914,873, CG deleted; deleting any 2 consecutive bases within chr6:75,914,871-75,914,873 gives the same sequence; the c. name uses the placement nearest the transcript's 3' end. VCF-style (leftmost placement, unchanged base first): chr6-75914870-AGC-A. GRCh37 (hg19) VCF-style: chr6-76624587-AGC-A.
Other names: c.3649_3650del, p.Arg1217fs (NM_001300899.2); c.3622_3623del, p.Arg1208fs (NM_001368136.1); c.3679_3680del, p.Arg1227fs (NM_001368137.1); c.3634_3635del, p.Arg1212fs (NM_001368138.1); c.3745_3746del, p.Arg1249fs (NM_001368865.1); c.3718_3719del, p.Arg1240fs (NM_001368866.1); short protein forms R1227fs, R1208fs, R1249fs, R1212fs, R1217fs, R1240fs.
Identifiers: ClinVar variation 848062 (VCV000848062.2), dbSNP rs1781031440, ClinGen allele CA916082882.

ClinVar aggregate classification (germline): Uncertain significance. Review status: criteria provided, multiple submitters, no conflicts (2 of 4 stars). 2 submissions from 2 submitters: Uncertain significance (2). Last evaluated 2026-07-29.

Conditions:
Monogenic hearing loss.

Submissions (2):

Genetics Laboratory, Great Ormond Street Hospital NHS Foundation Trust, North Thames Genomic Laboratory Hub
Classification: Uncertain significance for Monogenic hearing loss. Last evaluated: 2026-07-29. Review status: criteria provided, single submitter. Criteria: ACGS Best Practice Guidelines for Variant Classification in Rare Disease 2024 v1.2. Collection method: clinical testing. Allele origin: germline. Affected: yes.
Comment: PS4_supporting, PM2_moderate, PVS1_moderate

Labcorp Genetics (formerly Invitae), Labcorp
Classification: Uncertain significance. Last evaluated: 2020-01-04. Review status: criteria provided, single submitter. Criteria: Invitae Variant Classification Sherloc (09022015). Collection method: clinical testing. Allele origin: germline.
Comment: This sequence change results in a premature translational stop signal in the MYO6 gene (p.Arg1240Trpfs*3). While this is not anticipated to result in nonsense mediated decay, it is expected to disrupt the last 46 amino acids of the MYO6 protein. This variant is not present in population databases (ExAC no frequency). This variant has not been reported in the literature in individuals with MYO6-related conditions. Experimental studies and prediction algorithms are not available or were not evaluated, and the functional significance of this variant is currently unknown. In summary, the available evidence is currently insufficient to determine the role of this variant in disease. Therefore, it has been classified as a Variant of Uncertain Significance.